The following is an entry in ClinVar:

NM_024598.4(USB1):c.16C>G (p.Leu6Val)

Genes: USB1 (U6 snRNA biogenesis phosphodiesterase 1; plus strand), LOC112469011 (Sharpr-MPRA regulatory region 3942; plus strand). Cytogenetic location: 16q21.
Variant type: single nucleotide variant.
Coding change: c.16C>G on transcript NM_024598.4 (MANE Select); coding-DNA position 16, C replaced by G.
Protein change: p.Leu6Val; replaces leucine 6 with valine.
Molecular consequence: missense variant. On other transcripts: intron variant (1).
Genome position (GRCh38, 1-based): chr16:58,001,499, C>G. VCF-style: chr16-58001499-C-G. GRCh37 (hg19) VCF-style: chr16-58035403-C-G.
Other names: c.16C>G, p.Leu6Val (NM_001195302.2, NM_001204911.2, NM_001330569.2); c.-55-980C>G (NM_001330568.2); short protein forms L6V.
Identifiers: ClinVar variation 4196821 (VCV004196821.1).
Genomic context (GRCh38, chr16:58,001,499, plus strand): 5'-TGAGGTTGCTGGTGGACCTGCTCTGGTGGTCTTGGATGAGGCCCCATGAGCGCGGCGCCC[C>G]TGGTGGGCTACAGCAGCAGCGGCTCCGAGGATGAGTCCGAGGACGGGATGCGGACCAGGC-3'
Protein context (NP_078874.2, residues 1-16): MSAAP[Leu6Val]VGYSSSGSED

ClinVar aggregate classification (germline): Uncertain significance (1 of 4 stars; one submission).

Conditions:
Inborn genetic diseases. Identifiers: MedGen C0950123, MeSH D030342.

Submission:

Ambry Genetics
Classification: Uncertain significance for Inborn genetic diseases. Last evaluated: 2025-08-23. Review status: criteria provided, single submitter. Criteria: Ambry Variant Classification Scheme 2023. Collection method: clinical testing. Allele origin: germline.
Comment: The p.L6V variant (also known as c.16C>G), located in coding exon 1 of the USB1 gene, results from a C to G substitution at nucleotide position 16. The leucine at codon 6 is replaced by valine, an amino acid with highly similar properties. This amino acid position is conserved. In addition, this alteration is predicted to be tolerated by in silico analysis. Based on the available evidence, the clinical significance of this variant remains unclear.